The following is an entry in ClinVar:

NM_001371623.1(TCOF1):c.3827G>A (p.Arg1276Gln)

Gene: TCOF1 (treacle ribosome biogenesis factor 1; plus strand). Cytogenetic location: 5q32.
Variant type: single nucleotide variant.
Coding change: c.3827G>A on transcript NM_001371623.1 (MANE Select); coding-DNA position 3827, G replaced by A.
Protein change: p.Arg1276Gln; replaces arginine 1276 with glutamine.
Molecular consequence: missense variant.
Genome position (GRCh38, 1-based): chr5:150,396,324, G>A. VCF-style: chr5-150396324-G-A. GRCh37 (hg19) VCF-style: chr5-149775887-G-A.
Other names: c.3593G>A, p.Arg1198Gln (NM_000356.4); c.3824G>A, p.Arg1275Gln (NM_001135243.2); c.3713G>A, p.Arg1238Gln (NM_001135244.2); c.3596G>A, p.Arg1199Gln (NM_001135245.2); c.3710G>A, p.Arg1237Gln (NM_001195141.2); short protein forms R1276Q, R1198Q, R1237Q, R1238Q, R1199Q, R1275Q.
Identifiers: ClinVar variation 833712 (VCV000833712.13), dbSNP rs776562128, ClinGen allele CA3511620.

ClinVar aggregate classification (germline): Likely benign. Review status: criteria provided, multiple submitters, no conflicts (2 of 4 stars). 4 submissions from 4 submitters: Likely benign (4). Last evaluated 2025-11-06.

Conditions:
Treacher Collins syndrome 1 (TCS1). Also called: TCOF1-Related Treacher Collins Syndrome. Identifiers: Orphanet 861, MedGen CN315775, MONDO:0007944, OMIM 154500.
TCOF1-related disorder. Also called: TCOF1-related condition.

Allele frequency attached by ClinVar (database versions not stated): gnomAD exomes 0.00003 and 0.00006; gnomAD 0.00005; ExAC 0.00002; TOPMed 0.00002.
gnomAD v4.1: 46 of 1,613,750 alleles (0.0029%); highest among the groups gnomAD compares: Admixed American, 0.012%; no homozygotes.

Submissions (4):

PreventionGenetics, part of Exact Sciences
Classification: Likely benign for TCOF1-related condition. Last evaluated: 2025-11-06. Review status: criteria provided, single submitter. Criteria: ACMG Guidelines, 2015. Collection method: clinical testing. Allele origin: germline.
Comment: This variant is classified as likely benign based on ACMG/AMP sequence variant interpretation guidelines (Richards et al. 2015 PMID: 25741868, with internal and published modifications).

Labcorp Genetics (formerly Invitae), Labcorp
Classification: Likely benign for Treacher Collins syndrome 1. Last evaluated: 2025-08-22. Review status: criteria provided, single submitter. Criteria: Invitae Variant Classification Sherloc (09022015). Collection method: clinical testing. Allele origin: germline.

Blueprint Genetics
Classification: Likely benign. Last evaluated: 2023-05-25. Review status: criteria provided, single submitter. Criteria: ACMG Guidelines, 2015. Collection method: clinical testing. Allele origin: germline.

Breakthrough Genomics
Classification: Likely benign. Review status: criteria provided, single submitter. Criteria: ACMG Guidelines, 2015. Collection method: not provided. Allele origin: germline. Inheritance: Autosomal dominant inheritance. Affected: yes.